The following is an entry in ClinVar:

NM_015100.4(POGZ):c.988C>G (p.Leu330Val)

Gene: POGZ (pogo transposable element derived with ZNF domain; minus strand). Cytogenetic location: 1q21.3.
Variant type: single nucleotide variant.
Coding change: c.988C>G on transcript NM_015100.4 (MANE Select); coding-DNA position 988, C replaced by G.
Protein change: p.Leu330Val; replaces leucine 330 with valine.
Molecular consequence: missense variant.
Genome position (GRCh38, 1-based): chr1:151,427,913, G>C on the plus strand (C>G on the coding strand, the complement: POGZ is on the minus strand). VCF-style: chr1-151427913-G-C. GRCh37 (hg19) VCF-style: chr1-151400389-G-C.
Other names: c.961C>G, p.Leu321Val (NM_001194937.2); c.802C>G, p.Leu268Val (NM_001194938.2); c.1009C>G, p.Leu337Val (NM_001410860.1); c.703C>G, p.Leu235Val (NM_145796.4); c.829C>G, p.Leu277Val (NM_207171.2); short protein forms L235V, L268V, L277V, L321V, L330V, L337V.
Identifiers: ClinVar variation 4056748 (VCV004056748.1).
Genomic context (GRCh38, chr1:151,427,913, plus strand): 5'-TTTGAGAGCCATGAGCAGAGCTGTTGTTGGACACCACCACTGGCCCAGGACTCTGGCCCA[G>C]GGAAGGGATGGTGTTAAGGGTATTCACCAATTTGGCCACTTCATTGCTATTTTCGCCTGT-3'
Protein context (NP_055915.2, residues 320-340): LVNTLNTIPS[Leu330Val]GQSPGPVVVS

ClinVar aggregate classification (germline): Uncertain significance (1 of 4 stars; one submission).

Conditions:
Intellectual disability-microcephaly-strabismus-behavioral abnormalities syndrome. Also called: White-Sutton Syndrome. Identifiers: Orphanet 468678, MedGen C4225351, MONDO:0014606, OMIM 616364.

Submission:

Laboratorio de Genetica e Diagnostico Molecular, Hospital Israelita Albert Einstein
Classification: Uncertain significance for Intellectual disability-microcephaly-strabismus-behavioral abnormalities syndrome. Last evaluated: 2023-12-08. Review status: criteria provided, single submitter. Criteria: ACMG Guidelines, 2015. Collection method: clinical testing. Allele origin: germline. Affected: yes.
Comment: ACMG classification criteria: PM2 moderate, PP2 supporting, BP4 supporting